The following is an entry in ClinVar:

NM_001379500.1(COL18A1):c.107-1G>T

Gene: COL18A1 (collagen type XVIII alpha 1 chain; plus strand). Cytogenetic location: 21q22.3.
Variant type: single nucleotide variant.
Coding change: c.107-1G>T on transcript NM_001379500.1 (MANE Select); the canonical splice acceptor site of the intron before coding-DNA position 107, G replaced by T.
Molecular consequence: splice acceptor variant.
Genome position (GRCh38, 1-based): chr21:45,468,241, G>T. VCF-style: chr21-45468241-G-T. GRCh37 (hg19) VCF-style: chr21-46888155-G-T.
Other names: c.1352-1G>T (NM_130444.3); c.647-1G>T (NM_030582.4).
Identifiers: ClinVar variation 2701747 (VCV002701747.3), dbSNP rs2517557197, ClinGen allele CA410511357.

ClinVar aggregate classification (germline): Likely pathogenic (1 of 4 stars; one submission).

Submission:

Labcorp Genetics (formerly Invitae), Labcorp
Classification: Likely pathogenic. Last evaluated: 2023-12-09. Review status: criteria provided, single submitter. Criteria: Invitae Variant Classification Sherloc (09022015). Collection method: clinical testing. Allele origin: germline.
Comment: This sequence change affects an acceptor splice site in intron 2 of the COL18A1 gene. It is expected to disrupt RNA splicing. Variants that disrupt the donor or acceptor splice site typically lead to a loss of protein function (PMID: 16199547), and loss-of-function variants in COL18A1 are known to be pathogenic (PMID: 12415512, 25456301). This variant is not present in population databases (gnomAD no frequency). This variant has not been reported in the literature in individuals affected with COL18A1-related conditions. Algorithms developed to predict the effect of sequence changes on RNA splicing suggest that this variant may disrupt the consensus splice site. In summary, the currently available evidence indicates that the variant is pathogenic, but additional data are needed to prove that conclusively. Therefore, this variant has been classified as Likely Pathogenic.

Literature cited by the submitters: PubMed 16199547; PubMed 12415512; PubMed 25456301.